The following is an entry in ClinVar:

NM_003079.5(SMARCE1):c.1002CGA[1] (p.Asp335del)

Gene: SMARCE1 (SWI/SNF related BAF chromatin remodeling complex subunit E1; minus strand). Cytogenetic location: 17q21.2.
Variant type: Microsatellite.
Coding change: c.1002CGA[1] on transcript NM_003079.5 (MANE Select); one copy of the 3-base unit CGA starting at c.1002; the reference has two copies in a row; one copy, 3 bases deleted.
Protein change: p.Asp335del; deletes aspartic acid 335.
Genome position (GRCh38, 1-based): chr17:40,630,734-40,630,736, TCG deleted on the plus strand (CGA on the coding strand, the reverse complement: SMARCE1 is on the minus strand); deleting any 3 consecutive bases within chr17:40,630,734-40,630,741 gives the same sequence; the position shown is the placement nearest the transcript's 3' end. VCF-style (leftmost placement, unchanged base first): chr17-40630733-CTCG-C. GRCh37 (hg19) VCF-style: chr17-38786985-CTCG-C.
Other names: short protein forms D335del.
Identifiers: ClinVar variation 3666024 (VCV003666024.2).

ClinVar aggregate classification (germline): Uncertain significance (1 of 4 stars; one submission).

Conditions:
Familial meningioma. Also called: Meningioma, familial, susceptibility to. Identifiers: Orphanet 263662, MedGen C3551915, MONDO:0011789, OMIM 607174.

Submission:

Labcorp Genetics (formerly Invitae), Labcorp
Classification: Uncertain significance for Familial meningioma. Last evaluated: 2024-04-30. Review status: criteria provided, single submitter. Criteria: Invitae Variant Classification Sherloc (09022015). Collection method: clinical testing. Allele origin: germline.
Comment: This variant, c.1005_1007del, results in the deletion of 1 amino acid(s) of the SMARCE1 protein (p.Asp335del), but otherwise preserves the integrity of the reading frame. This variant is not present in population databases (gnomAD no frequency). This variant has not been reported in the literature in individuals affected with SMARCE1-related conditions. Experimental studies and prediction algorithms are not available or were not evaluated, and the functional significance of this variant is currently unknown. In summary, the available evidence is currently insufficient to determine the role of this variant in disease. Therefore, it has been classified as a Variant of Uncertain Significance.